The following is an entry in ClinVar:

ClinVar aggregate classification (germline): Benign/Likely benign. Review status: criteria provided, multiple submitters, no conflicts (2 of 4 stars). 13 submissions from 12 submitters: Benign (10); Likely benign (1). 2 of the submissions do not count toward it. Last evaluated 2026-02-03.

Conditions:
Cardiovascular phenotype. Identifiers: MedGen CN230736.
RASopathy. Also called: rasopathies; Noonan spectrum disorder. Identifiers: Orphanet 536391, MedGen C5555857, MONDO:0021060.
LEOPARD syndrome 2 (LPRD2). Also called: RAF1-Related LEOPARD Syndrome. Identifiers: Orphanet 500, MedGen C1969056, MONDO:0012691, OMIM 611554.
Noonan syndrome 5 (NS5). Also called: RAF1-Related Noonan Syndrome. Identifiers: Orphanet 648, MedGen C1969057, MONDO:0012690, OMIM 611553. Disease mechanism: gain of function.

Allele frequency attached by ClinVar (database versions not stated): gnomAD exomes 0.00069 and 0.00189; ExAC 0.00216; gnomAD 0.00766 and 0.00819; 1000 Genomes Project 0.00819; TOPMed 0.00886; ESP Exome Variant Server 0.00907; 1000 Genomes Project 30x 0.00984.
gnomAD v4.1: 2,225 of 1,614,132 alleles (0.14%); highest among the groups gnomAD compares: African/African-American, 2.6%; 27 homozygotes.

Submissions (13):

Labcorp Genetics (formerly Invitae), Labcorp
Classification: Benign for RASopathy. Last evaluated: 2026-02-03. Review status: criteria provided, single submitter. Criteria: Invitae Variant Classification Sherloc (09022015). Collection method: clinical testing. Allele origin: germline.

Blueprint Genetics
Classification: Likely benign. Last evaluated: 2024-11-26. Review status: criteria provided, single submitter. Criteria: ACMG Guidelines, 2015. Collection method: clinical testing. Allele origin: germline.

ARUP Laboratories, Molecular Genetics and Genomics, ARUP Laboratories
Classification: Benign. Last evaluated: 2024-02-28. Review status: criteria provided, single submitter. Criteria: ARUP Molecular Germline Variant Investigation Process 2024. Collection method: clinical testing. Allele origin: germline.

Women's Health and Genetics/Laboratory Corporation of America, LabCorp
Classification: Benign. Last evaluated: 2019-12-24. Review status: criteria provided, single submitter. Criteria: LabCorp Variant Classification Summary - May 2015. Collection method: clinical testing. Allele origin: germline.
Comment: Variant summary: RAF1 c.1669-13T>C alters a non-conserved nucleotide located close to a canonical splice site and therefore could affect mRNA splicing, leading to a significantly altered protein sequence. 4/4 computational tools predict no significant impact on normal splicing. However, these predictions have yet to be confirmed by functional studies. The variant allele was found at a frequency of 0.0019 in 251228 control chromosomes, predominantly at a frequency of 0.026 within the African or African-American subpopulation in the gnomAD database, including 2 homozygotes. The observed variant frequency within African or African-American control individuals in the gnomAD database is approximately 1040 fold of the estimated maximal expected allele frequency for a pathogenic variant in RAF1 causing Noonan Syndrome and Related Conditions phenotype (2.5e-05), strongly suggesting that the variant is a benign polymorphism found primarily in populations of African or African-American origin. To our knowledge, no occurrence of c.1669-13T>C in individuals affected with Noonan Syndrome and Related Conditions and no experimental evidence demonstrating its impact on protein function have been reported. One clinical diagnostic laboratory has submitted clinical-significance assessments for this variant to ClinVar after 2014 without evidence for independent evaluation. One laboratory classified the variant as benign/likely benign. Based on the evidence outlined above, the variant was classified as benign.

Illumina Laboratory Services, Illumina
Classification: Benign for Noonan syndrome 5. Last evaluated: 2018-01-13. Review status: criteria provided, single submitter. Criteria: ICSL Variant Classification Criteria 13 December 2019. Collection method: clinical testing. Allele origin: germline.
Comment: This variant was observed in the ICSL laboratory as part of a predisposition screen in an ostensibly healthy population. It had not been previously curated by ICSL or reported in the Human Gene Mutation Database (HGMD: prior to June 1st, 2018), and was therefore a candidate for classification through an automated scoring system. Utilizing variant allele frequency, disease prevalence and penetrance estimates, and inheritance mode, an automated score was calculated to assess if this variant is too frequent to cause the disease. Based on the score and internal cut-off values, a variant classified as benign is not then subjected to further curation. The score for this variant resulted in a classification of benign for this disease.

Illumina Laboratory Services, Illumina
Classification: Benign for LEOPARD syndrome 2. Last evaluated: 2018-01-13. Review status: criteria provided, single submitter. Criteria: ICSL Variant Classification Criteria 13 December 2019. Collection method: clinical testing. Allele origin: germline.
Comment: the same text as in the submission from Illumina Laboratory Services, Illumina above.

GeneDx
Classification: Benign. Last evaluated: 2015-03-03. Review status: criteria provided, single submitter. Criteria: GeneDx Variant Classification Process June 2021. Collection method: clinical testing. Allele origin: germline. Affected: yes.

Ambry Genetics
Classification: Benign for Cardiovascular phenotype. Last evaluated: 2014-12-08. Review status: criteria provided, single submitter. Criteria: Ambry Variant Classification Scheme 2023. Collection method: clinical testing. Allele origin: germline.

Laboratory for Molecular Medicine, Mass General Brigham Personalized Medicine
Classification: Benign. Last evaluated: 2012-03-19. Review status: criteria provided, single submitter. Criteria: LMM Criteria. Collection method: clinical testing. Allele origin: germline. Observed: 17 variant alleles.
Comment: c.1669-13T>C in Intron 15 of RAF1: This variant is not expected to have clinical significance because it has been identified in 2.8% (103/3738) of African Ameri can chromosomes from a broad population by the NHLBI Exome Sequencing Project (dbSNP rs147475396).

Breakthrough Genomics
Classification: Benign. Review status: criteria provided, single submitter. Criteria: ACMG Guidelines, 2015. Collection method: not provided. Allele origin: germline. Inheritance: Autosomal dominant inheritance. Affected: yes.

PreventionGenetics, part of Exact Sciences
Classification: Benign. Review status: criteria provided, single submitter. Criteria: ACMG Guidelines, 2015. Collection method: clinical testing. Allele origin: germline.

Clinical Genetics, Academic Medical Center
Classification: Benign. Review status: no assertion criteria provided. Collection method: clinical testing. Allele origin: germline. Affected: yes. Study: VKGL Data-share Consensus. Not counted in ClinVar's aggregate classification.

Joint Genome Diagnostic Labs from Nijmegen and Maastricht, Radboudumc and MUMC+
Classification: Benign. Review status: no assertion criteria provided. Collection method: clinical testing. Allele origin: germline. Affected: yes. Study: VKGL Data-share Consensus. Not counted in ClinVar's aggregate classification.

NM_002880.4(RAF1):c.1669-13T>C

Gene: RAF1 (Raf-1 proto-oncogene, serine/threonine kinase; minus strand). Cytogenetic location: 3p25.2.
Variant type: single nucleotide variant.
Coding change: c.1669-13T>C on transcript NM_002880.4 (MANE Select); 13 bases into the intron before coding-DNA position 1669, T replaced by C.
Molecular consequence: intron variant.
Genome position (GRCh38, 1-based): chr3:12,584,994, A>G on the plus strand (T>C on the coding strand, the complement: RAF1 is on the minus strand). VCF-style: chr3-12584994-A-G. GRCh37 (hg19) VCF-style: chr3-12626493-A-G.
Other names: c.1327-13T>C (NM_001354695.3); c.1426-13T>C (NM_001354692.3, NM_001354691.3); c.1486-13T>C (NM_001354694.3); c.1570-13T>C (NM_001354693.3); c.1729-13T>C (NM_001354689.3); c.1669-13T>C (NM_001354690.3).
Identifiers: ClinVar variation 40625 (VCV000040625.35), dbSNP rs147475396, ClinGen allele CA134705.